The following is an entry in ClinVar:

ClinVar aggregate classification (germline): Pathogenic (0 of 4 stars; one submission).

Conditions:
Angelman syndrome (AS). Also called: HAPPY PUPPET SYNDROME. Identifiers: Orphanet 72, MedGen C0162635, MONDO:0007113, OMIM 105830. Disease mechanism: loss of function. Inheritance: AS is caused by disruption of maternally imprinted UBE3A located within the 15q11.2-q13 Angelman syndrome/Prader-Willi syndrome (AS/PWS) region., imprinting disorder.

Submission:

Baylor Genetics
Classification: Pathogenic for Angelman Syndrome. Last evaluated: 2014-02-14. Review status: no assertion criteria provided. Collection method: clinical testing. Allele origin: de novo. Affected: yes. Observed: 1 variant allele. Study: UBE3A Mutation Study.
Comment: Data collected from clinical UBE3A sequence analysis results

Literature cited by the submitters: PubMed 25212744.

NM_130839.5(UBE3A):c.2129T>G (p.Phe710Cys)

Genes: SNHG14 (small nucleolar RNA host gene 14; plus strand), UBE3A (ubiquitin protein ligase E3A; minus strand). Cytogenetic location: 15q11.2.
Variant type: single nucleotide variant.
Coding change: c.2129T>G on transcript NM_130839.5 (MANE Select); coding-DNA position 2129, T replaced by G.
Protein change: p.Phe710Cys; replaces phenylalanine 710 with cysteine.
Molecular consequence: missense variant. On other transcripts: non-coding transcript variant (1), intron variant (3).
Genome position (GRCh38, 1-based): chr15:25,354,679, A>C on the plus strand (T>G on the coding strand, the complement: UBE3A is on the minus strand). VCF-style: chr15-25354679-A-C. GRCh37 (hg19) VCF-style: chr15-25599826-A-C.
Other names: c.2138T>G, p.Phe713Cys (NM_000462.5); c.2129T>G, p.Phe710Cys (NM_001354505.1, NM_001354538.2); c.2069T>G, p.Phe690Cys (NM_001354506.2, NM_001354507.2, NM_001354508.2 and 14 more transcripts); c.1952T>G, p.Phe651Cys (NM_001354546.2); c.1904T>G, p.Phe635Cys (NM_001354549.2); c.878T>G, p.Phe293Cys (NM_001354550.2); c.818T>G, p.Phe273Cys (NM_001354551.2); c.2065-253T>G (NM_001354548.2, NM_001354547.2); and 1 more; short protein forms F690C, F273C, F293C, F635C, F651C, F710C, F713C.
Identifiers: ClinVar variation 155990 (VCV000155990.1), dbSNP rs587781237, ClinGen allele CA333378.